The following is an entry in ClinVar:

ClinVar aggregate classification (germline): Likely benign (0 of 4 stars; one submission).

Conditions:
AXL-related disorder. Also called: AXL-related condition.

Allele frequency attached by ClinVar (database versions not stated): ExAC 0.00005; TOPMed 0.00005; gnomAD 0.00009; gnomAD exomes 0.00021.
gnomAD v4.1: 317 of 1,613,558 alleles (0.02%); highest among the groups gnomAD compares: East Asian, 0.042%; no homozygotes.

Submission:

PreventionGenetics, part of Exact Sciences
Classification: Likely benign for AXL-related condition. Last evaluated: 2019-07-16. Review status: no assertion criteria provided. Collection method: clinical testing. Allele origin: germline.
Comment: This variant is classified as likely benign based on ACMG/AMP sequence variant interpretation guidelines (Richards et al. 2015 PMID: 25741868, with internal and published modifications).

NM_021913.5(AXL):c.453C>T (p.Ala151=)

Gene: AXL (AXL receptor tyrosine kinase; plus strand). Cytogenetic location: 19q13.2.
Variant type: single nucleotide variant.
Coding change: c.453C>T on transcript NM_021913.5 (MANE Select); coding-DNA position 453, C replaced by T.
Protein change: p.Ala151=; no amino-acid change (alanine 151 retained).
Molecular consequence: synonymous variant.
Genome position (GRCh38, 1-based): chr19:41,221,923, C>T. VCF-style: chr19-41221923-C-T. GRCh37 (hg19) VCF-style: chr19-41727828-C-T.
Other names: c.453C>T, p.Ala151= (NM_001699.6).
Identifiers: ClinVar variation 3043105 (VCV003043105.2), dbSNP rs767629887, ClinGen allele CA9457945.